The following is an entry in ClinVar:

NM_000292.3(PHKA2):c.85G>A (p.Val29Ile)

Gene: PHKA2 (phosphorylase kinase regulatory subunit alpha 2; minus strand). Cytogenetic location: Xp22.13.
Variant type: single nucleotide variant.
Coding change: c.85G>A on transcript NM_000292.3 (MANE Select); coding-DNA position 85, G replaced by A.
Protein change: p.Val29Ile; replaces valine 29 with isoleucine.
Molecular consequence: missense variant.
Genome position (GRCh38, 1-based): chrX:18,954,406, C>T on the plus strand (G>A on the coding strand, the complement: PHKA2 is on the minus strand). VCF-style: chrX-18954406-C-T. GRCh37 (hg19) VCF-style: chrX-18972524-C-T.
Other names: short protein forms V29I.
Identifiers: ClinVar variation 426759 (VCV000426759.2), dbSNP rs1085307784, ClinGen allele CA412377973.
Genomic context (GRCh38, chrX:18,954,406, plus strand): 5'-AGATGTTATCCCGCACCCAGGCATCCTTCTGCTCATGGCTGGCTGACAGCAGCCCCGTGA[C>T]GGGATTCTATTAGAGAAGAGACACAAAATGGCTCAGTGCCATCCTTCATGCAGTCCCTGG-3'
Protein context (NP_000283.1, residues 19-39): QQTILCYQNP[Val29Ile]TGLLSASHEQ

ClinVar aggregate classification (germline): Uncertain significance (1 of 4 stars; one submission).

Allele frequency attached by ClinVar (database versions not stated): gnomAD 0.00001; gnomAD exomes 0.00001.
gnomAD v4.1: 7 of 1,209,271 alleles (0.00058%); highest among the groups gnomAD compares: South Asian, 0.0018%; no homozygotes.

Submission:

GeneDx
Classification: Uncertain significance. Last evaluated: 2017-04-05. Review status: criteria provided, single submitter. Criteria: GeneDx Variant Classification (06012015). Collection method: clinical testing. Allele origin: germline. Affected: yes.
Comment: The V29I variant in the PHKA2 gene has not been reported previously as a pathogenic variant, nor as a benign variant, to our knowledge. The V29I variant is not observed in large population cohorts (Lek et al., 2016; 1000 Genomes Consortium et al., 2015; Exome Variant Server). The V29I variant is a conservative amino acid substitution, which is not likely to impact secondary protein structure as these residues share similar properties. This substitution occurs at a position where amino acids with similar properties to Valine are tolerated across species. In silico analysis is inconsistent in its predictions as to whether or not the variant is damaging to the protein structure/function. We interpret V29I as a variant of uncertain significance